The following is an entry in ClinVar:

ClinVar aggregate classification (germline): Uncertain significance (1 of 4 stars; one submission).

Conditions:
Cone-rod dystrophy 3 (CORD3). Identifiers: Orphanet 1872, MedGen C1858806, MONDO:0011395, OMIM 604116.
Retinitis pigmentosa 19 (RP19). Also called: ABCA4-Related Retinitis Pigmentosa. Identifiers: Orphanet 791, MedGen C1866422, MONDO:0011137, OMIM 601718.
Age related macular degeneration 2. Also called: MACULAR DEGENERATION, SENILE; MACULOPATHY, AGE-RELATED, 2; MACULOPATHY, AGE-RELATED. Identifiers: MedGen C3495438, MONDO:0007932, OMIM 153800.
Severe early-childhood-onset retinal dystrophy (STGD1). Also called: Stargardt macular dystrophy; Juvenile onset macular degeneration; Stargardt disease 1; MACULAR DYSTROPHY WITH FLECKS, TYPE 1; STGD. Identifiers: Orphanet 364055, Orphanet 827, MedGen C1855465, MeSH D000080362, MONDO:0009549, OMIM 248200.

Submission:

Juno Genomics, Hangzhou Juno Genomics, Inc
Classification: Uncertain significance for Severe early-childhood-onset retinal dystrophy; Age related macular degeneration 2; Cone-rod dystrophy 3; Retinitis pigmentosa 19. Review status: criteria provided, single submitter. Criteria: ACMG Guidelines, 2015. Collection method: clinical testing. Allele origin: germline.
Comment: Absent from controls (or at extremely low frequency if recessive) in Genome Aggregation Database.;Novel missense change at an amino acid residue where a different missense change determined to be pathogenic has been seen before.;Multiple lines of computational evidence support a deleterious effect on the gene or gene product.

NM_000350.3(ABCA4):c.5645T>A (p.Met1882Lys)

Gene: ABCA4 (ATP binding cassette subfamily A member 4; minus strand). Cytogenetic location: 1p22.1.
Variant type: single nucleotide variant.
Coding change: c.5645T>A on transcript NM_000350.3 (MANE Select); coding-DNA position 5645, T replaced by A.
Protein change: p.Met1882Lys; replaces methionine 1882 with lysine.
Molecular consequence: missense variant.
Genome position (GRCh38, 1-based): chr1:94,010,869, A>T on the plus strand (T>A on the coding strand, the complement: ABCA4 is on the minus strand). VCF-style: chr1-94010869-A-T. GRCh37 (hg19) VCF-style: chr1-94476425-A-T.
Other names: c.5423T>A, p.Met1808Lys (NM_001425324.1); short protein forms M1808K, M1882K.
Identifiers: ClinVar variation 5007235 (VCV005007235.2).